The following is an entry in ClinVar:

ClinVar aggregate classification (germline): Likely benign. Review status: criteria provided, multiple submitters, no conflicts (2 of 4 stars). 3 submissions from 3 submitters: Likely benign (2). 1 of the submissions does not count toward it. Last evaluated 2026-01-26.

Conditions:
TBCD-related disorder. Also called: TBCD-related condition.

Allele frequency attached by ClinVar (database versions not stated): TOPMed 0.00009; gnomAD exomes 0.00012 and 0.00014; gnomAD 0.00015 and 0.00016; ESP Exome Variant Server 0.00016; ExAC 0.00017.
gnomAD v4.1: 201 of 1,611,508 alleles (0.012%); highest among the groups gnomAD compares: Non-Finnish European, 0.015%; no homozygotes.

Submissions (3):

Labcorp Genetics (formerly Invitae), Labcorp
Classification: Likely benign. Last evaluated: 2026-01-26. Review status: criteria provided, single submitter. Criteria: Invitae Variant Classification Sherloc (09022015). Collection method: clinical testing. Allele origin: germline.

Blueprint Genetics
Classification: Likely benign. Last evaluated: 2024-11-08. Review status: criteria provided, single submitter. Criteria: ACMG Guidelines, 2015. Collection method: clinical testing. Allele origin: germline.

PreventionGenetics, part of Exact Sciences
Classification: Likely benign for TBCD-related condition. Last evaluated: 2019-03-08. Review status: no assertion criteria provided. Collection method: clinical testing. Allele origin: germline. Not counted in ClinVar's aggregate classification.
Comment: This variant is classified as likely benign based on ACMG/AMP sequence variant interpretation guidelines (Richards et al. 2015 PMID: 25741868, with internal and published modifications).

NM_005993.5(TBCD):c.3366G>A (p.Pro1122=)

Gene: TBCD (tubulin folding cofactor D). Cytogenetic location: 17q25.3.
Variant type: single nucleotide variant.
Coding change: c.3366G>A on transcript NM_005993.5 (MANE Select); coding-DNA position 3366, G replaced by A.
Protein change: p.Pro1122=; no amino-acid change (proline 1122 retained).
Molecular consequence: synonymous variant.
Genome position (GRCh38, 1-based): chr17:82,938,133, G>A. VCF-style: chr17-82938133-G-A. GRCh37 (hg19) VCF-style: chr17-80896009-G-A.
Other names: c.3366G>A (NM_005993.4).
Identifiers: ClinVar variation 1539096 (VCV001539096.11), dbSNP rs375632401, ClinGen allele CA8863581.